The following is an entry in ClinVar:

NM_000342.4(SLC4A1):c.2045C>T (p.Ser682Phe)

Gene: SLC4A1 (solute carrier family 4 member 1 (Diego blood group); minus strand). Cytogenetic location: 17q21.31.
Variant type: single nucleotide variant.
Coding change: c.2045C>T on transcript NM_000342.4 (MANE Select); coding-DNA position 2045, C replaced by T.
Protein change: p.Ser682Phe; replaces serine 682 with phenylalanine.
Molecular consequence: missense variant.
Genome position (GRCh38, 1-based): chr17:44,254,508, G>A on the plus strand (C>T on the coding strand, the complement: SLC4A1 is on the minus strand). VCF-style: chr17-44254508-G-A. GRCh37 (hg19) VCF-style: chr17-42331876-G-A.
Other names: c.2045C>T (NM_000342.3); short protein forms S682F.
Identifiers: ClinVar variation 3616762 (VCV003616762.3).
Genomic context (GRCh38, chr17:44,254,508, plus strand): 5'-GTCCCTGCCTCCCACCCTCCCAGGCCCAGCCCCCACCCTGTCTCTCACGTGGTGATCTGA[G>A]ACTCCAGGAATATGAGGATGAAGACCAGCAGAGCAGGCAGGGCGGAGGCAAACATCATCC-3'
Protein context (NP_000333.1, residues 672-692): LLVFILIFLE[Ser682Phe]QITTLIVSKP

ClinVar aggregate classification (germline): Uncertain significance. Review status: criteria provided, multiple submitters, no conflicts (2 of 4 stars). 2 submissions from 2 submitters: Uncertain significance (2). Last evaluated 2025-07-21.

Conditions:
Inborn genetic diseases. Identifiers: MedGen C0950123, MeSH D030342.

gnomAD v4.1: 1 of 1,604,930 alleles (0.000062%); highest among the groups gnomAD compares: Admixed American, 0.0017%; no homozygotes.

Submissions (2):

Labcorp Genetics (formerly Invitae), Labcorp
Classification: Uncertain significance. Last evaluated: 2025-07-21. Review status: criteria provided, single submitter. Criteria: Invitae Variant Classification Sherloc (09022015). Collection method: clinical testing. Allele origin: germline.
Comment: This sequence change replaces serine, which is neutral and polar, with phenylalanine, which is neutral and non-polar, at codon 682 of the SLC4A1 protein (p.Ser682Phe). This variant is not present in population databases (gnomAD no frequency). This variant has not been reported in the literature in individuals affected with SLC4A1-related conditions. ClinVar contains an entry for this variant (Variation ID: 3616762). Invitae Evidence Modeling of protein sequence and biophysical properties (such as structural, functional, and spatial information, amino acid conservation, physicochemical variation, residue mobility, and thermodynamic stability) indicates that this missense variant is expected to disrupt SLC4A1 protein function with a positive predictive value of 80%. In summary, the available evidence is currently insufficient to determine the role of this variant in disease. Therefore, it has been classified as a Variant of Uncertain Significance.

Ambry Genetics
Classification: Uncertain significance for Inborn genetic diseases. Last evaluated: 2025-03-06. Review status: criteria provided, single submitter. Criteria: Ambry Variant Classification Scheme 2023. Collection method: clinical testing. Allele origin: germline.